The following is an entry in ClinVar:

ClinVar aggregate classification (germline): Likely benign. Review status: criteria provided, multiple submitters, no conflicts (2 of 4 stars). 2 submissions from 2 submitters: Likely benign (2). Last evaluated 2026-02-16.

Conditions:
ABHD12-related disorder. Also called: ABHD12-related condition.

Allele frequency attached by ClinVar (database versions not stated): TOPMed 0.00001; ExAC 0.00003.
gnomAD v4.1: 44 of 1,613,466 alleles (0.0027%); highest among the groups gnomAD compares: Middle Eastern, 0.049%; no homozygotes.

Submissions (2):

PreventionGenetics, part of Exact Sciences
Classification: Likely benign for ABHD12-related condition. Last evaluated: 2026-02-16. Review status: criteria provided, single submitter. Criteria: ACMG Guidelines, 2015. Collection method: clinical testing. Allele origin: germline.
Comment: This variant is classified as likely benign based on ACMG/AMP sequence variant interpretation guidelines (Richards et al. 2015 PMID: 25741868, with internal and published modifications).

Labcorp Genetics (formerly Invitae), Labcorp
Classification: Likely benign. Last evaluated: 2024-10-28. Review status: criteria provided, single submitter. Criteria: Invitae Variant Classification Sherloc (09022015). Collection method: clinical testing. Allele origin: germline.

NM_001042472.3(ABHD12):c.951-9C>T

Gene: ABHD12 (abhydrolase domain containing 12, lysophospholipase; minus strand). Cytogenetic location: 20p11.21.
Variant type: single nucleotide variant.
Coding change: c.951-9C>T on transcript NM_001042472.3 (MANE Select); 9 bases into the intron before coding-DNA position 951, C replaced by T.
Molecular consequence: intron variant.
Genome position (GRCh38, 1-based): chr20:25,303,637, G>A on the plus strand (C>T on the coding strand, the complement: ABHD12 is on the minus strand). VCF-style: chr20-25303637-G-A. GRCh37 (hg19) VCF-style: chr20-25284273-G-A.
Other names: c.951-9C>T (NM_001042472.2, NM_015600.5).
Identifiers: ClinVar variation 1906277 (VCV001906277.6), dbSNP rs761831989, ClinGen allele CA9795924.